The following is an entry in ClinVar:

ClinVar aggregate classification (germline): Uncertain significance (1 of 4 stars; one submission).

Conditions:
Hereditary pancreatitis (PCTT). Also called: Hereditary chronic pancreatitis; PRSS1-Related Hereditary Pancreatitis. Identifiers: Orphanet 676, MedGen C0238339, MONDO:0008185, OMIM 167800.

Submission:

Ambry Genetics
Classification: Uncertain significance for Hereditary pancreatitis. Last evaluated: 2025-10-13. Review status: criteria provided, single submitter. Criteria: Ambry Variant Classification Scheme 2023. Collection method: clinical testing. Allele origin: germline.
Comment: The p.K231N variant (also known as c.693G>C), located in coding exon 5 of the PRSS1 gene, results from a G to C substitution at nucleotide position 693. The lysine at codon 231 is replaced by asparagine, an amino acid with similar properties. This amino acid position is conserved. In addition, the in silico prediction for this alteration is inconclusive. Based on the available evidence, the clinical significance of this variant remains unclear.

NM_002769.5(PRSS1):c.693G>C (p.Lys231Asn)

Genes: TRB (T cell receptor beta locus; plus strand), PRSS1 (serine protease 1; plus strand). Cytogenetic location: 7q34.
Variant type: single nucleotide variant.
Coding change: c.693G>C on transcript NM_002769.5 (MANE Select); coding-DNA position 693, G replaced by C.
Protein change: p.Lys231Asn; replaces lysine 231 with asparagine.
Molecular consequence: missense variant. On other transcripts: non-coding transcript variant (5).
Genome position (GRCh38, 1-based): chr7:142,752,969, G>C. VCF-style: chr7-142752969-G-C. GRCh37 (hg19) VCF-style: chr7-142460820-G-C.
Other names: short protein forms K231N.
Identifiers: ClinVar variation 4560655 (VCV004560655.1).